The following is an entry in ClinVar:

NM_001130987.2(DYSF):c.760-17C>T

Gene: DYSF (dysferlin; plus strand). Cytogenetic location: 2p13.2.
Variant type: single nucleotide variant.
Coding change: c.760-17C>T on transcript NM_001130987.2 (MANE Select); 17 bases into the intron before coding-DNA position 760, C replaced by T.
Molecular consequence: intron variant.
Genome position (GRCh38, 1-based): chr2:71,515,606, C>T. VCF-style: chr2-71515606-C-T. GRCh37 (hg19) VCF-style: chr2-71742736-C-T.
Other names: c.757-17C>T (NM_001130979.2, NM_001130981.2, NM_001130980.2); c.664-17C>T (NM_001130978.2, NM_003494.4, NM_001130977.2 and 1 more transcripts); c.760-17C>T (NM_001130982.2, NM_001130985.2); c.667-17C>T (NM_001130983.2, NM_001130455.2, NM_001130984.2 and 1 more transcripts).
Identifiers: ClinVar variation 94356 (VCV000094356.17), dbSNP rs61104194, ClinGen allele CA147775.
Genomic context (GRCh38, chr2:71,515,606, plus strand): 5'-CTGACTCTTGGGGTGGATGGTGGGTGGTCCTTAACTCTTCCCCCTTCCTCCTGCTCTTTC[C>T]TCCTTCTGGCTTTCAGATCAGGGTCCAGGTGATCGAGGGGCGCCAGCTGCCGGGGGTGAA-3'

ClinVar aggregate classification (germline): Benign. Review status: criteria provided, multiple submitters, no conflicts (2 of 4 stars). 8 submissions from 6 submitters: Benign (8). Last evaluated 2026-02-04.

Conditions:
Neuromuscular disease caused by qualitative or quantitative defects of dysferlin. Also called: Dysferlinopathy; Qualitative or quantitative defects of dysferlin. Identifiers: Orphanet 207073, MedGen C2931687, MONDO:0016145.
Distal myopathy with anterior tibial onset. Identifiers: Orphanet 178400, MedGen C1847532, MONDO:0011721, OMIM 606768.
Autosomal recessive limb-girdle muscular dystrophy type 2B (LGMDR2). Also called: MUSCULAR DYSTROPHY, LIMB-GIRDLE, AUTOSOMAL RECESSIVE 2; Limb-girdle muscular dystrophy, type 2B; Limb-Girdle Muscular Dystrophy Type 2B (LGMD2B); MUSCULAR DYSTROPHY, LIMB-GIRDLE, TYPE 3. Identifiers: Orphanet 268, MedGen C1850889, MONDO:0009676, OMIM 253601.
Miyoshi muscular dystrophy 1 (MMD1). Identifiers: Orphanet 45448, MedGen C4551973, MONDO:0024545, OMIM 254130.

Allele frequency attached by ClinVar (database versions not stated): gnomAD exomes 0.07659 and 0.08257; ExAC 0.08139; gnomAD 0.11792 and 0.11356; TOPMed 0.12128; ESP Exome Variant Server 0.12594; 1000 Genomes Project 30x 0.10603; 1000 Genomes Project 0.09884.
gnomAD v4.1: 138,007 of 1,613,696 alleles (8.6%); highest among the groups gnomAD compares: African/African-American, 21%; 7,059 homozygotes.

Submissions (8):

Labcorp Genetics (formerly Invitae), Labcorp
Classification: Benign for Neuromuscular disease caused by qualitative or quantitative defects of dysferlin. Last evaluated: 2026-02-04. Review status: criteria provided, single submitter. Criteria: Invitae Variant Classification Sherloc (09022015). Collection method: clinical testing. Allele origin: germline.

Genome-Nilou Lab
Classification: Benign for Autosomal recessive limb-girdle muscular dystrophy type 2B. Last evaluated: 2021-07-30. Review status: criteria provided, single submitter. Criteria: ACMG Guidelines, 2015. Collection method: clinical testing. Allele origin: germline. Affected: no.

Genome-Nilou Lab
Classification: Benign for Distal myopathy with anterior tibial onset. Last evaluated: 2021-07-30. Review status: criteria provided, single submitter. Criteria: ACMG Guidelines, 2015. Collection method: clinical testing. Allele origin: germline. Affected: no.

Genome-Nilou Lab
Classification: Benign for Miyoshi muscular dystrophy 1. Last evaluated: 2021-06-10. Review status: criteria provided, single submitter. Criteria: ACMG Guidelines, 2015. Collection method: clinical testing. Allele origin: germline. Affected: no.

GeneDx
Classification: Benign. Last evaluated: 2016-01-30. Review status: criteria provided, single submitter. Criteria: GeneDx Variant Classification (06012015). Collection method: clinical testing. Allele origin: germline. Affected: yes.
Comment: This variant is considered likely benign or benign based on one or more of the following criteria: it is a conservative change, it occurs at a poorly conserved position in the protein, it is predicted to be benign by multiple in silico algorithms, and/or has population frequency not consistent with disease.

Eurofins Ntd Llc (ga)
Classification: Benign. Last evaluated: 2015-04-24. Review status: criteria provided, single submitter. Criteria: EGL Classification Definitions 2015. Collection method: clinical testing. Allele origin: germline. Observed: 35 variant alleles, 31 heterozygotes, 4 homozygotes.

Breakthrough Genomics
Classification: Benign. Review status: criteria provided, single submitter. Criteria: ACMG Guidelines, 2015. Collection method: not provided. Allele origin: germline. Inheritance: Autosomal recessive inheritance. Affected: yes.

PreventionGenetics, part of Exact Sciences
Classification: Benign. Review status: criteria provided, single submitter. Criteria: ACMG Guidelines, 2015. Collection method: clinical testing. Allele origin: germline.